The following is an entry in ClinVar:

ClinVar aggregate classification (germline): Uncertain significance (1 of 4 stars; one submission).

Conditions:
Rhabdoid tumor predisposition syndrome 2 (RTPS2). Identifiers: Orphanet 231108, Orphanet 69077, MedGen C2750074, MONDO:0013224, OMIM 613325.

gnomAD v4.1: 1 of 1,597,692 alleles (0.000063%); highest among the groups gnomAD compares: Non-Finnish European, 0.000085%; no homozygotes.

Submission:

Labcorp Genetics (formerly Invitae), Labcorp
Classification: Uncertain significance for Rhabdoid tumor predisposition syndrome 2. Last evaluated: 2024-01-19. Review status: criteria provided, single submitter. Criteria: Invitae Variant Classification Sherloc (09022015). Collection method: clinical testing. Allele origin: germline.
Comment: This sequence change falls in intron 5 of the SMARCA4 gene. It does not directly change the encoded amino acid sequence of the SMARCA4 protein. It affects a nucleotide within the consensus splice site. This variant is not present in population databases (gnomAD no frequency). This variant has not been reported in the literature in individuals affected with SMARCA4-related conditions. ClinVar contains an entry for this variant (Variation ID: 1957437). Variants that disrupt the consensus splice site are a relatively common cause of aberrant splicing (PMID: 17576681, 9536098). Algorithms developed to predict the effect of sequence changes on RNA splicing suggest that this variant may disrupt the consensus splice site. In summary, the available evidence is currently insufficient to determine the role of this variant in disease. Therefore, it has been classified as a Variant of Uncertain Significance.

Literature cited by the submitters: PubMed 17576681; PubMed 9536098.

NM_003072.5(SMARCA4):c.859+5G>C

Gene: SMARCA4 (SWI/SNF related BAF chromatin remodeling complex subunit ATPase 4; plus strand). Cytogenetic location: 19p13.2.
Variant type: single nucleotide variant.
Coding change: c.859+5G>C on transcript NM_003072.5 (MANE Select); 5 bases into the intron after coding-DNA position 859, G replaced by C.
Molecular consequence: intron variant.
Genome position (GRCh38, 1-based): chr19:10,987,008, G>C. VCF-style: chr19-10987008-G-C. GRCh37 (hg19) VCF-style: chr19-11097684-G-C.
Other names: c.859+5G>C (NM_001128844.3, NM_001128849.3, NM_001128847.4 and 5 more transcripts).
Identifiers: ClinVar variation 1957437 (VCV001957437.5), dbSNP rs367781236, ClinGen allele CA2580096285.
Genomic context (GRCh38, chr19:10,987,008, plus strand): 5'-GCCCCCCGGGATGCCAGGCCAGCCTCCTGGAGGGCCTCCCAAGCCCTGGCCTGAAGGTGA[G>C]CTCCCTCTTCTATGGTGGTGCACCCGTGCCCTTACTCCCCATCTCAAGCTTGGGTCCTTG-3'